The following is an entry in ClinVar:

ClinVar aggregate classification (germline): Uncertain significance (1 of 4 stars; one submission).

Conditions:
Hereditary sensory neuropathy-deafness-dementia syndrome. Also called: NEUROPATHY, HEREDITARY SENSORY, WITH HEARING LOSS AND DEMENTIA; Hereditary sensory neuropathy type IE; Hereditary Sensory and Autonomic Neuropathy Type 1E (HSAN1E); HSN IE. Identifiers: Orphanet 456318, MedGen C3279885, MONDO:0013584, OMIM 614116.

Submission:

Labcorp Genetics (formerly Invitae), Labcorp
Classification: Uncertain significance for Hereditary sensory neuropathy-deafness-dementia syndrome. Last evaluated: 2019-11-10. Review status: criteria provided, single submitter. Criteria: Invitae Variant Classification Sherloc (09022015). Collection method: clinical testing. Allele origin: germline.
Comment: In summary, the available evidence is currently insufficient to determine the role of this variant in disease. Therefore, it has been classified as a Variant of Uncertain Significance. Nucleotide substitutions within the consensus splice site are a relatively common cause of aberrant splicing (PMID: 17576681, 9536098). Algorithms developed to predict the effect of sequence changes on RNA splicing suggest that this variant may disrupt the consensus splice site, but this prediction has not been confirmed by published transcriptional studies. This variant has not been reported in the literature in individuals with DNMT1-related conditions. This variant is not present in population databases (ExAC no frequency). This sequence change falls in intron 16 of the DNMT1 gene. It does not directly change the encoded amino acid sequence of the DNMT1 protein, but it affects a nucleotide within the consensus splice site of the intron.

Literature cited by the submitters: PubMed 17576681; PubMed 9536098.

NM_001130823.3(DNMT1):c.1170+3A>G

Gene: DNMT1 (DNA methyltransferase 1; minus strand). Cytogenetic location: 19p13.2.
Variant type: single nucleotide variant.
Coding change: c.1170+3A>G on transcript NM_001130823.3 (MANE Select); 3 bases into the intron after coding-DNA position 1170, A replaced by G.
Molecular consequence: intron variant.
Genome position (GRCh38, 1-based): chr19:10,159,839, T>C on the plus strand (A>G on the coding strand, the complement: DNMT1 is on the minus strand). VCF-style: chr19-10159839-T-C. GRCh37 (hg19) VCF-style: chr19-10270515-T-C.
Other names: c.807+3A>G (NM_001318731.2); c.1122+3A>G (NM_001379.4, NM_001318730.2).
Identifiers: ClinVar variation 971349 (VCV000971349.7), dbSNP rs2038529872, ClinGen allele CA913015463.